The following is an entry in ClinVar:

ClinVar aggregate classification (germline): Benign/Likely benign. Review status: criteria provided, multiple submitters, no conflicts (2 of 4 stars). 3 submissions from 3 submitters: Benign (1); Likely benign (2). Last evaluated 2024-10-11.

Conditions:
Hereditary cancer-predisposing syndrome. Also called: Hereditary Cancer Syndrome; Hereditary neoplastic syndrome; Neoplastic Syndromes, Hereditary; Tumor predisposition. Identifiers: Orphanet 140162, MedGen C0027672, MeSH D009386, MONDO:0015356.
Familial cancer of breast. Also called: BREAST CANCER, FAMILIAL; hereditary breast carcinoma; Hereditary breast cancer. Identifiers: Orphanet 227535, MedGen C0346153, MONDO:0016419, OMIM 114480. Disease mechanism: loss of function.

Allele frequency attached by ClinVar (database versions not stated): gnomAD 0.00001; ExAC 0.00002; TOPMed 0.00002.
gnomAD v4.1: 2 of 1,613,682 alleles (0.00012%); highest among the groups gnomAD compares: African/African-American, 0.0027%; no homozygotes.

Submissions (3):

Labcorp Genetics (formerly Invitae), Labcorp
Classification: Likely benign for Familial cancer of breast. Last evaluated: 2024-10-11. Review status: criteria provided, single submitter. Criteria: Invitae Variant Classification Sherloc (09022015). Collection method: clinical testing. Allele origin: germline.

Myriad Genetics, Inc.
Classification: Benign for Familial cancer of breast. Last evaluated: 2024-07-23. Review status: criteria provided, single submitter. Criteria: Myriad Autosomal Dominant, Autosomal Recessive and X-Linked Classification Criteria (2023). Collection method: clinical testing. Allele origin: unknown.
Comment: This variant is considered benign. This variant is a silent/synonymous amino acid change and it is not expected to impact splicing.

Ambry Genetics
Classification: Likely benign for Hereditary cancer-predisposing syndrome. Last evaluated: 2019-09-17. Review status: criteria provided, single submitter. Criteria: Ambry Variant Classification Scheme 2023. Collection method: clinical testing. Allele origin: germline.

NM_000465.4(BARD1):c.924T>C (p.Leu308=)

Gene: BARD1 (BRCA1 associated RING domain 1; minus strand). Cytogenetic location: 2q35.
Variant type: single nucleotide variant.
Coding change: c.924T>C on transcript NM_000465.4 (MANE Select); coding-DNA position 924, T replaced by C.
Protein change: p.Leu308=; no amino-acid change (leucine 308 retained).
Molecular consequence: synonymous variant. On other transcripts: non-coding transcript variant (2), intron variant (3).
Genome position (GRCh38, 1-based): chr2:214,780,950, A>G on the plus strand (T>C on the coding strand, the complement: BARD1 is on the minus strand). VCF-style: chr2-214780950-A-G. GRCh37 (hg19) VCF-style: chr2-215645674-A-G.
Other names: c.867T>C, p.Leu289= (NM_001282543.2); c.159-28395T>C (NM_001282548.2); c.215+16111T>C (NM_001282545.2); c.364+11347T>C (NM_001282549.2).
Identifiers: ClinVar variation 1766331 (VCV001766331.5), dbSNP rs758559877, ClinGen allele CA2090364.